The following is an entry in ClinVar:

ClinVar aggregate classification (germline): Uncertain significance. Review status: criteria provided, multiple submitters, no conflicts (2 of 4 stars). 2 submissions from 2 submitters: Uncertain significance (2). Last evaluated 2021-12-08.

Submissions (2):

Labcorp Genetics (formerly Invitae), Labcorp
Classification: Uncertain significance. Last evaluated: 2021-12-08. Review status: criteria provided, single submitter. Criteria: Invitae Variant Classification Sherloc (09022015). Collection method: clinical testing. Allele origin: germline.
Comment: In summary, the available evidence is currently insufficient to determine the role of this variant in disease. Therefore, it has been classified as a Variant of Uncertain Significance. Advanced modeling of protein sequence and biophysical properties (such as structural, functional, and spatial information, amino acid conservation, physicochemical variation, residue mobility, and thermodynamic stability) performed at Invitae indicates that this missense variant is expected to disrupt PNPT1 protein function. This variant has not been reported in the literature in individuals affected with PNPT1-related conditions. This variant is not present in population databases (gnomAD no frequency). This sequence change replaces glycine, which is neutral and non-polar, with cysteine, which is neutral and slightly polar, at codon 361 of the PNPT1 protein (p.Gly361Cys).

Blueprint Genetics
Classification: Uncertain significance. Last evaluated: 2018-12-19. Review status: criteria provided, single submitter. Criteria: ACMG Guidelines, 2015. Collection method: clinical testing. Allele origin: germline.

NM_033109.5(PNPT1):c.1081G>T (p.Gly361Cys)

Gene: PNPT1 (polyribonucleotide nucleotidyltransferase 1; minus strand). Cytogenetic location: 2p16.1.
Variant type: single nucleotide variant.
Coding change: c.1081G>T on transcript NM_033109.5 (MANE Select); coding-DNA position 1081, G replaced by T.
Protein change: p.Gly361Cys; replaces glycine 361 with cysteine.
Molecular consequence: missense variant.
Genome position (GRCh38, 1-based): chr2:55,667,086, C>A on the plus strand (G>T on the coding strand, the complement: PNPT1 is on the minus strand). VCF-style: chr2-55667086-C-A. GRCh37 (hg19) VCF-style: chr2-55894221-C-A.
Other names: short protein forms G361C.
Identifiers: ClinVar variation 1492693 (VCV001492693.7), dbSNP rs763020630, ClinGen allele CA346928819.